The following is an entry in ClinVar:

ClinVar aggregate classification (germline): Pathogenic. Review status: criteria provided, single submitter (1 of 4 stars). 2 submissions from 2 submitters: Pathogenic (1). 1 of the submissions does not count toward it. Last evaluated 2024-02-01.

Conditions:
SLC26A3-related disorder. Also called: SLC26A3-related condition.

Submissions (2):

Labcorp Genetics (formerly Invitae), Labcorp
Classification: Pathogenic. Last evaluated: 2024-02-01. Review status: criteria provided, single submitter. Criteria: Invitae Variant Classification Sherloc (09022015). Collection method: clinical testing. Allele origin: germline.
Comment: This sequence change affects a donor splice site in intron 15 of the SLC26A3 gene. It is expected to disrupt RNA splicing. Variants that disrupt the donor or acceptor splice site typically lead to a loss of protein function (PMID: 16199547), and loss-of-function variants in SLC26A3 are known to be pathogenic (PMID: 9718329, 21394828). This variant is not present in population databases (gnomAD no frequency). Disruption of this splice site has been observed in individual(s) with congenital chloride diarrhea (PMID: 31477378). Algorithms developed to predict the effect of sequence changes on RNA splicing suggest that this variant may disrupt the consensus splice site. For these reasons, this variant has been classified as Pathogenic.

PreventionGenetics, part of Exact Sciences
Classification: Likely pathogenic for SLC26A3-related condition. Last evaluated: 2024-06-25. Review status: no assertion criteria provided. Collection method: clinical testing. Allele origin: germline. Not counted in ClinVar's aggregate classification.
Comment: The SLC26A3 c.1677+1G>A variant is predicted to disrupt the GT donor site and interfere with normal splicing. To our knowledge, this variant has not been reported in the literature or in a large population database, indicating this variant is rare. Another variant at this position, c.1677+1G>C, has been reported in the compound heterozygous state in an individual with congenital chloride diarrhea (Table II, Konishi et al. 2019. PubMed ID: 31477378). Variants that disrupt the consensus splice donor site in SLC26A3 are expected to be pathogenic. The c.1677+1G>A variant is interpreted as likely pathogenic.

Literature cited by the submitters: PubMed 16199547 (cited by Labcorp Genetics (formerly Invitae), Labcorp); PubMed 9718329 (cited by Labcorp Genetics (formerly Invitae), Labcorp); PubMed 21394828 (cited by Labcorp Genetics (formerly Invitae), Labcorp); PubMed 31477378 (cited by Labcorp Genetics (formerly Invitae), Labcorp).

NM_000111.3(SLC26A3):c.1677+1G>A

Gene: SLC26A3 (solute carrier family 26 member 3; minus strand). Cytogenetic location: 7q22.3.
Variant type: single nucleotide variant.
Coding change: c.1677+1G>A on transcript NM_000111.3 (MANE Select); the canonical splice donor site of the intron after coding-DNA position 1677, G replaced by A.
Molecular consequence: splice donor variant.
Genome position (GRCh38, 1-based): chr7:107,776,451, C>T on the plus strand (G>A on the coding strand, the complement: SLC26A3 is on the minus strand). VCF-style: chr7-107776451-C-T. GRCh37 (hg19) VCF-style: chr7-107416896-C-T.
Identifiers: ClinVar variation 3029972 (VCV003029972.4), dbSNP rs2535456352, ClinGen allele CA368850690.